The following is an entry in ClinVar:

NM_031844.3(HNRNPU):c.2256_2260del (p.Tyr753fs)

Gene: HNRNPU (heterogeneous nuclear ribonucleoprotein U; minus strand). Cytogenetic location: 1q44.
Variant type: Deletion.
Coding change: c.2256_2260del on transcript NM_031844.3 (MANE Select); coding-DNA positions 2256 to 2260, 5 bases deleted (ATACC; older notation c.2256_2260delATACC).
Protein change: p.Tyr753fs; shifts the reading frame from tyrosine 753.
Molecular consequence: frameshift variant.
Genome position (GRCh38, 1-based): chr1:244,855,516-244,855,520, GGTAT deleted on the plus strand (ATACC on the coding strand, the reverse complement: HNRNPU is on the minus strand); deleting any 5 consecutive bases within chr1:244,855,516-244,855,522 gives the same sequence; the c. name uses the placement nearest the transcript's 3' end. VCF-style (leftmost placement, unchanged base first): chr1-244855515-GGGTAT-G. GRCh37 (hg19) VCF-style: chr1-245018817-GGGTAT-G.
Other names: c.2199_2203del, p.Tyr734fs (NM_004501.3); short protein forms Y734fs, Y753fs.
Identifiers: ClinVar variation 1073238 (VCV001073238.45), dbSNP rs2102985018, ClinGen allele CA2499214646.

ClinVar aggregate classification (germline): Pathogenic (1 of 4 stars; one submission).

Conditions:
Developmental and epileptic encephalopathy, 54. Also called: Epileptic encephalopathy, early infantile, 54; HNRNPU-Related Neurodevelopmental Disorder. Identifiers: MedGen C4479319, MONDO:0033363, OMIM 617391.

Submission:

Labcorp Genetics (formerly Invitae), Labcorp
Classification: Pathogenic for Developmental and epileptic encephalopathy, 54. Last evaluated: 2020-01-10. Review status: criteria provided, single submitter. Criteria: Invitae Variant Classification Sherloc (09022015). Collection method: clinical testing. Allele origin: germline.
Comment: This variant is not present in population databases (ExAC no frequency). This sequence change creates a premature translational stop signal (p.Tyr753Serfs*10) in the HNRNPU gene. It is expected to result in an absent or disrupted protein product. For these reasons, this variant has been classified as Pathogenic. Loss-of-function variants in HNRNPU are known to be pathogenic (PMID: 22678713, 28283832). This variant has not been reported in the literature in individuals with HNRNPU-related conditions.

Literature cited by the submitters: PubMed 22678713; PubMed 28283832.